The following is an entry in ClinVar:

ClinVar aggregate classification (germline): Conflicting classifications of pathogenicity. Review status: criteria provided, conflicting classifications (1 of 4 stars). 4 submissions from 4 submitters: Uncertain significance (3); Likely benign (1). Last evaluated 2026-09-14.

Conditions:
Epidermolysis bullosa simplex 5B, with muscular dystrophy (EBS5B). Also called: EPIDERMOLYSIS BULLOSA SIMPLEX AND LIMB-GIRDLE MUSCULAR DYSTROPHY; Epidermolysis bullosa simplex with muscular dystrophy. Identifiers: Orphanet 257, MedGen C2931072, MONDO:0009181, OMIM 226670.
Epidermolysis bullosa simplex with nail dystrophy (EBS5D). Identifiers: MedGen C4225309, MONDO:0014661, OMIM 616487.
Epidermolysis bullosa simplex, Ogna type (EBS5A). Also called: Pidermolysis bullosa simplex 5A, Ogna type; EPIDERMOLYSIS BULLOSA SIMPLEX 5A, OGNA TYPE. Identifiers: Orphanet 79401, MedGen C0432317, MONDO:0007555, OMIM 131950.
Epidermolysis bullosa simplex 5C, with pyloric atresia (EBS5C). Also called: PLEC-Related Epidermolysis Bullosa with Pyloric Atresia; Epidermolysis bullosa simplex with pyloric atresia; PLEC1-Related Epidermolysis Bullosa with Pyloric Atresia. Identifiers: Orphanet 158684, MedGen C2677349, MONDO:0012807, OMIM 612138.
Autosomal recessive limb-girdle muscular dystrophy type 2Q (LGMDR17). Also called: MUSCULAR DYSTROPHY, LIMB-GIRDLE, AUTOSOMAL RECESSIVE 17. Identifiers: Orphanet 254361, MedGen C3150989, MONDO:0013390, OMIM 613723.
PLEC-related disorder. Also called: PLEC-related disorders; PLEC-related condition.
Inborn genetic diseases. Identifiers: MedGen C0950123, MeSH D030342.

Allele frequency attached by ClinVar (database versions not stated): gnomAD 0.00001; gnomAD exomes 0.00001; ExAC 0.00003; TOPMed 0.00003; 1000 Genomes Project 30x 0.00016.
gnomAD v4.1: 15 of 1,613,424 alleles (0.00093%); highest among the groups gnomAD compares: African/African-American, 0.0067%; no homozygotes.

Submissions (4):

PreventionGenetics, part of Exact Sciences
Classification: Uncertain significance for PLEC-related condition. Last evaluated: 2026-09-14. Review status: criteria provided, single submitter. Criteria: ACMG Guidelines, 2015. Collection method: clinical testing. Allele origin: germline.
Comment: The PLEC c.8465G>A variant is predicted to result in the amino acid substitution p.Gly2822Asp. To our knowledge, this variant has not been reported in the literature. This variant is reported in 0.0065% of alleles in individuals of African descent in gnomAD. At this time, the clinical significance of this variant is uncertain due to the absence of conclusive functional and genetic evidence.

Labcorp Genetics (formerly Invitae), Labcorp
Classification: Uncertain significance for Autosomal recessive limb-girdle muscular dystrophy type 2Q; Epidermolysis bullosa simplex, Ogna type; Epidermolysis bullosa simplex with nail dystrophy; Epidermolysis bullosa simplex 5C, with pyloric atresia; Epidermolysis bullosa simplex 5B, with muscular dystrophy. Last evaluated: 2025-12-14. Review status: criteria provided, single submitter. Criteria: Invitae Variant Classification Sherloc (09022015). Collection method: clinical testing. Allele origin: germline.
Comment: This sequence change replaces glycine, which is neutral and non-polar, with aspartic acid, which is acidic and polar, at codon 2822 of the PLEC protein (p.Gly2822Asp). This variant is present in population databases (rs782632583, gnomAD 0.01%). This variant has not been reported in the literature in individuals affected with PLEC-related conditions. ClinVar contains an entry for this variant (Variation ID: 2322442). An algorithm developed to predict the effect of missense changes on protein structure and function outputs the following: PolyPhen-2: "Benign". The aspartic acid amino acid residue is found in multiple mammalian species, which suggests that this missense change does not adversely affect protein function. In summary, the available evidence is currently insufficient to determine the role of this variant in disease. Therefore, it has been classified as a Variant of Uncertain Significance.

Ambry Genetics
Classification: Likely benign for Inborn genetic diseases. Last evaluated: 2022-11-03. Review status: criteria provided, single submitter. Criteria: Ambry Variant Classification Scheme 2023. Collection method: clinical testing. Allele origin: germline.

Revvity Omics, Revvity
Classification: Uncertain significance. Last evaluated: 2019-05-16. Review status: criteria provided, single submitter. Criteria: ACMG Guidelines, 2015. Collection method: clinical testing. Allele origin: germline.

NM_201384.3(PLEC):c.8384G>A (p.Gly2795Asp)

Gene: PLEC (plectin; minus strand). Cytogenetic location: 8q24.3.
Variant type: single nucleotide variant.
Coding change: c.8384G>A on transcript NM_201384.3 (MANE Select); coding-DNA position 8384, G replaced by A.
Protein change: p.Gly2795Asp; replaces glycine 2795 with aspartic acid.
Molecular consequence: missense variant.
Genome position (GRCh38, 1-based): chr8:143,921,437, C>T on the plus strand (G>A on the coding strand, the complement: PLEC is on the minus strand). VCF-style: chr8-143921437-C-T. GRCh37 (hg19) VCF-style: chr8-144995605-C-T.
Other names: c.8288G>A, p.Gly2763Asp (NM_201381.3); c.8384G>A, p.Gly2795Asp (NM_201382.4); c.8396G>A, p.Gly2799Asp (NM_201383.3); c.8465G>A, p.Gly2822Asp (NM_000445.5); c.5084G>A, p.Gly1695Asp (NM_001410941.1); c.8342G>A, p.Gly2781Asp (NM_201378.4); c.8318G>A, p.Gly2773Asp (NM_201379.3); c.8795G>A, p.Gly2932Asp (NM_201380.4); and 1 more; short protein forms G2932D, G1695D, G2781D, G2773D, G2795D, G2763D, G2799D, G2822D.
Identifiers: ClinVar variation 2322442 (VCV002322442.8), dbSNP rs782632583, ClinGen allele CA4925337.
Genomic context (GRCh38, chr8:143,921,437, plus strand): 5'-ACGCCGCCCGTGGCGATCTGGGCCTCCAGCAGGCGGATGCCGTGCTCCCGGACGATGAGG[C>T]CCTTCTGCATGGCTTGGAAGAGAGAGATCTGCTGGCCAGTGTAGGGGTCCTTGTAGCCAG-3'
Protein context (NP_958786.1, residues 2785-2805): QISLFQAMQK[Gly2795Asp]LIVREHGIRL